The following is an entry in ClinVar:

NM_013266.4(CTNNA3):c.2266-10T>G

Gene: CTNNA3 (catenin alpha 3; minus strand). Cytogenetic location: 10q21.3.
Variant type: single nucleotide variant.
Coding change: c.2266-10T>G on transcript NM_013266.4 (MANE Select); 10 bases into the intron before coding-DNA position 2266, T replaced by G.
Molecular consequence: intron variant.
Genome position (GRCh38, 1-based): chr10:65,966,756, A>C on the plus strand (T>G on the coding strand, the complement: CTNNA3 is on the minus strand). VCF-style: chr10-65966756-A-C. GRCh37 (hg19) VCF-style: chr10-67726514-A-C.
Other names: c.2266-10T>G (NM_001127384.3).
Identifiers: ClinVar variation 516743 (VCV000516743.16), dbSNP rs2105702, ClinGen allele CA5519633.

ClinVar aggregate classification (germline): Benign. Review status: criteria provided, multiple submitters, no conflicts (2 of 4 stars). 7 submissions from 7 submitters: Benign (4). 3 of the submissions do not count toward it. Last evaluated 2026-02-04.

Conditions:
Arrhythmogenic right ventricular dysplasia 13. Also called: ARRHYTHMOGENIC RIGHT VENTRICULAR CARDIOMYOPATHY 13; Arrhythmogenic right ventricular dysplasia, familial, 13. Identifiers: MedGen C3810138, MONDO:0000908, OMIM 615616.

Allele frequency attached by ClinVar (database versions not stated): ESP Exome Variant Server 0.30978; gnomAD 0.32828 and 0.33103; TOPMed 0.33498; ExAC 0.34425; gnomAD exomes 0.34923; 1000 Genomes Project 0.35264; 1000 Genomes Project 30x 0.35650.
gnomAD v4.1: 497,857 of 1,586,814 alleles (31%); highest among the groups gnomAD compares: Admixed American, 47%; 80,364 homozygotes.

Submissions (7):

Labcorp Genetics (formerly Invitae), Labcorp
Classification: Benign for Arrhythmogenic right ventricular dysplasia 13. Last evaluated: 2026-02-04. Review status: criteria provided, single submitter. Criteria: Invitae Variant Classification Sherloc (09022015). Collection method: clinical testing. Allele origin: germline.

Women's Health and Genetics/Laboratory Corporation of America, LabCorp
Classification: Benign. Last evaluated: 2023-04-04. Review status: criteria provided, single submitter. Criteria: LabCorp Variant Classification Summary - May 2015. Collection method: clinical testing. Allele origin: germline.

GeneDx
Classification: Benign. Last evaluated: 2017-10-26. Review status: criteria provided, single submitter. Criteria: GeneDx Variant Classification (06012015). Collection method: clinical testing. Allele origin: germline. Affected: yes.
Comment: This variant is considered likely benign or benign based on one or more of the following criteria: it is a conservative change, it occurs at a poorly conserved position in the protein, it is predicted to be benign by multiple in silico algorithms, and/or has population frequency not consistent with disease.

Breakthrough Genomics
Classification: Benign. Review status: criteria provided, single submitter. Criteria: ACMG Guidelines, 2015. Collection method: not provided. Allele origin: germline. Inheritance: Autosomal dominant inheritance. Affected: yes.

Clinical Genetics DNA and cytogenetics Diagnostics Lab, Erasmus MC, Erasmus Medical Center
Classification: Benign. Review status: no assertion criteria provided. Collection method: clinical testing. Allele origin: germline. Affected: yes. Study: VKGL Data-share Consensus. Not counted in ClinVar's aggregate classification.

Clinical Genetics, Academic Medical Center
Classification: Benign. Review status: no assertion criteria provided. Collection method: clinical testing. Allele origin: germline. Affected: yes. Study: VKGL Data-share Consensus. Not counted in ClinVar's aggregate classification.

Joint Genome Diagnostic Labs from Nijmegen and Maastricht, Radboudumc and MUMC+
Classification: Benign. Review status: no assertion criteria provided. Collection method: clinical testing. Allele origin: germline. Affected: yes. Study: VKGL Data-share Consensus. Not counted in ClinVar's aggregate classification.